The following is an entry in ClinVar:

NM_005570.4(LMAN1):c.116T>C (p.Val39Ala)

Genes: LMAN1 (lectin, mannose binding 1; minus strand), LOC130062607 (ATAC-STARR-seq lymphoblastoid active region 13415; plus strand). Cytogenetic location: 18q21.32.
Variant type: single nucleotide variant.
Coding change: c.116T>C on transcript NM_005570.4 (MANE Select); coding-DNA position 116, T replaced by C.
Protein change: p.Val39Ala; replaces valine 39 with alanine.
Molecular consequence: missense variant.
Genome position (GRCh38, 1-based): chr18:59,359,129, A>G on the plus strand (T>C on the coding strand, the complement: LMAN1 is on the minus strand). VCF-style: chr18-59359129-A-G. GRCh37 (hg19) VCF-style: chr18-57026361-A-G.
Other names: short protein forms V39A.
Identifiers: ClinVar variation 259791 (VCV000259791.12), dbSNP rs33926449, ClinGen allele CA8980076.

ClinVar aggregate classification (germline): Benign. Review status: criteria provided, multiple submitters, no conflicts (2 of 4 stars). 6 submissions from 6 submitters: Benign (6). Last evaluated 2026-02-01.

Conditions:
Factor V and factor VIII, combined deficiency of, type 1. Also called: Combined factor V and VIII deficiency; FAMILIAL MULTIPLE COAGULATION FACTOR DEFICIENCY I; MULTIPLE COAGULATION FACTOR DEFICIENCY I; FMFD I. Identifiers: Orphanet 35909, MedGen C4551981, MONDO:0009206, OMIM 227300.

Allele frequency attached by ClinVar (database versions not stated): 1000 Genomes Project 30x 0.07792; TOPMed 0.09844; gnomAD 0.09341 and 0.09631; ESP Exome Variant Server 0.10082; gnomAD exomes 0.06853 and 0.08238; ExAC 0.07007; 1000 Genomes Project 0.07548.
gnomAD v4.1: 134,721 of 1,613,990 alleles (8.3%); highest among the groups gnomAD compares: African/African-American, 14%; 6,154 homozygotes.

Submissions (6):

Labcorp Genetics (formerly Invitae), Labcorp
Classification: Benign. Last evaluated: 2026-02-01. Review status: criteria provided, single submitter. Criteria: Invitae Variant Classification Sherloc (09022015). Collection method: clinical testing. Allele origin: germline.

Mayo Clinic Laboratories, Mayo Clinic
Classification: Benign. Last evaluated: 2022-09-29. Review status: criteria provided, single submitter. Criteria: ACMG Guidelines, 2015. Collection method: clinical testing. Allele origin: germline. Observed: 19 variant alleles.

GeneDx
Classification: Benign. Last evaluated: 2021-06-09. Review status: criteria provided, single submitter. Criteria: GeneDx Variant Classification Process June 2021. Collection method: clinical testing. Allele origin: germline. Affected: yes.

Illumina Laboratory Services, Illumina
Classification: Benign for Factor V and factor VIII, combined deficiency of, type 1. Last evaluated: 2018-01-13. Review status: criteria provided, single submitter. Criteria: ICSL Variant Classification Criteria 13 December 2019. Collection method: clinical testing. Allele origin: germline.
Comment: This variant was observed in the ICSL laboratory as part of a predisposition screen in an ostensibly healthy population. It had not been previously curated by ICSL or reported in the Human Gene Mutation Database (HGMD: prior to June 1st, 2018), and was therefore a candidate for classification through an automated scoring system. Utilizing variant allele frequency, disease prevalence and penetrance estimates, and inheritance mode, an automated score was calculated to assess if this variant is too frequent to cause the disease. Based on the score and internal cut-off values, a variant classified as benign is not then subjected to further curation. The score for this variant resulted in a classification of benign for this disease.

Breakthrough Genomics
Classification: Benign. Review status: criteria provided, single submitter. Criteria: ACMG Guidelines, 2015. Collection method: not provided. Allele origin: germline. Inheritance: Autosomal recessive inheritance. Affected: yes.

PreventionGenetics, part of Exact Sciences
Classification: Benign. Review status: criteria provided, single submitter. Criteria: ACMG Guidelines, 2015. Collection method: clinical testing. Allele origin: germline.